The following is an entry in ClinVar:

ClinVar aggregate classification (germline): Pathogenic/Likely pathogenic. Review status: criteria provided, multiple submitters, no conflicts (2 of 4 stars). 7 submissions from 7 submitters: Pathogenic (4); Likely pathogenic (2). 1 of the submissions does not count toward it. Last evaluated 2025-09-18.

Conditions:
COL4A4-related disorder.
Autosomal recessive Alport syndrome (ATS2). Also called: Alport syndrome type 2; ALPORT SYNDROME 2, AUTOSOMAL RECESSIVE; COL4A3-Related Nephropathy; COL4A4 Alport Syndrome and Thin Basement Membrane Nephropathy. Identifiers: Orphanet 63, Orphanet 88919, MedGen C4746745, MONDO:0008762, OMIM 203780.
Hematuria, benign familial, 1 (BFH1). Also called: THIN MEMBRANE NEPHROPATHY. Identifiers: MedGen CN376803, MONDO:0007709, OMIM 141200.
Alport syndrome. Also called: Hemorrhagic familial nephritis; Hemorrhagic hereditary nephritis; Congenital hereditary hematuria. Identifiers: Orphanet 63, MedGen C1567741, MONDO:0018965.
Benign familial hematuria. Also called: thin basement membrane disease. Identifiers: MedGen C0241908, MONDO:0957317.

Allele frequency attached by ClinVar (database versions not stated): TOPMed 0.00002.
gnomAD v4.1: 2 of 1,613,976 alleles (0.00012%); highest among the groups gnomAD compares: Admixed American, 0.0033%; no homozygotes.

Submissions (7):

Natera, Inc.
Classification: Likely pathogenic for Alport syndrome. Last evaluated: 2025-09-18. Review status: criteria provided, single submitter. Criteria: Natera Variant Classification Schema (03/2026). Collection method: clinical testing. Allele origin: germline.
Comment: The c.446G>T variant in COL4A4 is a missense variant predicted to cause substitution of glycine to valine at amino acid 149. This variant is rare in the general population with a frequency below the threshold expected for the associated phenotype(s). This variant has been observed in affected individual(s) with monoallelic occurrence (heterozygous/hemizygous) (PMID: 32939031, 38178635). This variant is located in a functionally critical region of the protein. Computational prediction algorithms indicate this variant is likely to affect gene or protein function. Given the available evidence, this variant is classified as Likely Pathogenic.

Labcorp Genetics (formerly Invitae), Labcorp
Classification: Pathogenic. Last evaluated: 2025-06-28. Review status: criteria provided, single submitter. Criteria: Invitae Variant Classification Sherloc (09022015). Collection method: clinical testing. Allele origin: germline.
Comment: This sequence change replaces glycine, which is neutral and non-polar, with valine, which is neutral and non-polar, at codon 149 of the COL4A4 protein (p.Gly149Val). This variant is present in population databases (rs374815903, gnomAD 0.003%). This missense change has been observed in individuals with clinical features of Alport syndrome (PMID: 32939031; internal data). ClinVar contains an entry for this variant (Variation ID: 369941). Invitae Evidence Modeling of protein sequence and biophysical properties (such as structural, functional, and spatial information, amino acid conservation, physicochemical variation, residue mobility, and thermodynamic stability) indicates that this missense variant is expected to disrupt COL4A4 protein function with a positive predictive value of 95%. For these reasons, this variant has been classified as Pathogenic.

PreventionGenetics, part of Exact Sciences
Classification: Pathogenic for COL4A4-related condition. Last evaluated: 2025-05-13. Review status: criteria provided, single submitter. Criteria: ACMG Guidelines, 2015. Collection method: clinical testing. Allele origin: germline.
Comment: The COL4A4 c.446G>T variant is predicted to result in the amino acid substitution p.Gly149Val. This variant has been reported as heterozygous in an individual with nephropathy (Jayasinghe et al. 2021. PubMed ID: 32939031). The Gly149Val variant affects a Gly residue of the conserved triple helical domain (residues 65 – 1459) of the COL4A4 protein. The majority of pathogenic variants in COL4A4 substitute a glycine residue to a bulkier amino acid in the triple-helical domain (Hudson et al. 1993. PubMed ID: 8253711). This variant is reported in 0.0029% of alleles in individuals of Latino descent in gnomAD. This variant is interpreted as pathogenic.

Fulgent Genetics
Classification: Pathogenic for Hematuria, benign familial, 1; Autosomal recessive Alport syndrome. Last evaluated: 2024-02-06. Review status: criteria provided, single submitter. Criteria: ACMG Guidelines, 2015. Collection method: clinical testing. Allele origin: germline.

Victorian Clinical Genetics Services, Murdoch Childrens Research Institute
Classification: Pathogenic for Hematuria, benign familial, 1. Last evaluated: 2018-12-28. Review status: criteria provided, single submitter. Criteria: ACMG Guidelines, 2015. Collection method: clinical testing. Allele origin: unknown. Affected: yes.
Comment: A heterozygous missense variant, NM_000092.4(COL4A4):c.446G>T, has been identified in exon 7 of 48 of the COL4A4 gene. The variant is predicted to result in a major amino acid change from glycine to valine at position 149 of the protein (NP_000083.3(COL4A4):p.(Gly149Val)). The glycine residue at this position has very high conservation (100 vertebrates, UCSC), and affects a glycine residue of the triple helical region containing GLY-X-Y repeats. In silico predictions for this variant are consistently pathogenic (Polyphen, SIFT, CADD, Mutation Taster). The variant is present in the gnomAD database at a frequency of 0.0004% (1 heterozygote), and an alternative residue change has also been reported in the gnomAD database at a frequency of 0.0004% (1 heterozygote). The variant has previously been reported as likely pathogenic (ClinVar). A different variant in the same codon resulting in a change to glutamic acid has also been reported in patients with Alport syndrome (Weber S. et al. (2016)). Based on the information available at the time of curation, this variant has been classified as PATHOGENIC.

Clinical Genetics Service, Universitary Hospital 12 de Octubre
Classification: Likely pathogenic for Hematuria, benign familial, 1. Review status: criteria provided, single submitter. Criteria: ACMG Guidelines, 2015. Collection method: clinical testing. Allele origin: germline. Affected: yes.

Bioscientia Institut fuer Medizinische Diagnostik GmbH, Sonic Healthcare
Classification: Likely pathogenic for Autosomal recessive Alport syndrome. Review status: no assertion criteria provided. Collection method: clinical testing. Allele origin: germline. Affected: yes. Not counted in ClinVar's aggregate classification.

Literature cited by the submitters: PubMed 32939031 (cited by Natera, Inc. and Labcorp Genetics (formerly Invitae), Labcorp); PubMed 38178635 (cited by Natera, Inc.).

NM_000092.5(COL4A4):c.446G>T (p.Gly149Val)

Gene: COL4A4 (collagen type IV alpha 4 chain; minus strand). Cytogenetic location: 2q36.3.
Variant type: single nucleotide variant.
Coding change: c.446G>T on transcript NM_000092.5 (MANE Select); coding-DNA position 446, G replaced by T.
Protein change: p.Gly149Val; replaces glycine 149 with valine.
Molecular consequence: missense variant.
Genome position (GRCh38, 1-based): chr2:227,118,688, C>A on the plus strand (G>T on the coding strand, the complement: COL4A4 is on the minus strand). VCF-style: chr2-227118688-C-A. GRCh37 (hg19) VCF-style: chr2-227983404-C-A.
Other names: short protein forms G149V.
Identifiers: ClinVar variation 369941 (VCV000369941.16), dbSNP rs374815903, ClinGen allele CA2145664.